The following is an entry in ClinVar:

ClinVar aggregate classification (germline): Likely pathogenic (1 of 4 stars; one submission).

Conditions:
Hereditary cancer-predisposing syndrome. Also called: Tumor predisposition; Neoplastic Syndromes, Hereditary; Hereditary neoplastic syndrome; Hereditary Cancer Syndrome. Identifiers: Orphanet 140162, MedGen C0027672, MeSH D009386, MONDO:0015356.

Submission:

Color Diagnostics, LLC DBA Color Health
Classification: Likely pathogenic for Hereditary cancer-predisposing syndrome. Last evaluated: 2021-07-01. Review status: criteria provided, single submitter. Criteria: ACMG Guidelines, 2015. Collection method: clinical testing. Allele origin: germline.
Comment: This variant causes a G to A nucleotide substitution at the -1 position of intron 61 of the ATM gene. Splice site prediction tools predict that this variant may have a significant impact on RNA splicing. Although this prediction has not been confirmed in published RNA studies, this variant is expected to result in an absent or disrupted protein product. To our knowledge, this variant has not been reported in individuals affected with hereditary cancer in the literature. This variant has not been identified in the general population by the Genome Aggregation Database (gnomAD). Loss of ATM function is a known mechanism of disease. Based on the available evidence, this variant is classified as Likely Pathogenic.

NM_000051.4(ATM):c.8851-1G>A

Genes: ATM (ATM serine/threonine kinase; plus strand), C11orf65 (chromosome 11 open reading frame 65; minus strand). Cytogenetic location: 11q22.3.
Variant type: single nucleotide variant.
Coding change: c.8851-1G>A on transcript NM_000051.4 (MANE Select); the canonical splice acceptor site of the intron before coding-DNA position 8851, G replaced by A.
Molecular consequence: splice acceptor variant. On other transcripts: intron variant (2).
Genome position (GRCh38, 1-based): chr11:108,365,081, G>A. VCF-style: chr11-108365081-G-A. GRCh37 (hg19) VCF-style: chr11-108235808-G-A.
Other names: c.8851-1G>A (NM_001351834.2); c.640+20839C>T (NM_001330368.2); c.694+20839C>T (NM_001351110.2).
Identifiers: ClinVar variation 918260 (VCV000918260.5), dbSNP rs1057516537, ClinGen allele CA382529519.